The following is an entry in ClinVar:

ClinVar aggregate classification (germline): Uncertain significance (1 of 4 stars; one submission).

Conditions:
EP300-related disorder. Also called: EP300-related condition; EP300-related disorders.

gnomAD v4.1: 1 of 1,613,488 alleles (0.000062%); highest among the groups gnomAD compares: African/African-American, 0.0013%; no homozygotes.

Submission:

PreventionGenetics, part of Exact Sciences
Classification: Uncertain significance for EP300-related condition. Last evaluated: 2026-02-17. Review status: criteria provided, single submitter. Criteria: ACMG Guidelines, 2015. Collection method: clinical testing. Allele origin: germline.
Comment: The EP300 c.2713C>T variant is predicted to result in the amino acid substitution p.Pro905Ser. To our knowledge, this variant has not been reported in the literature or in a large population database (gnomAD), indicating this variant is rare. At this time, the clinical significance of this variant is uncertain due to the absence of conclusive functional and genetic evidence.

NM_001429.4(EP300):c.2713C>T (p.Pro905Ser)

Gene: EP300 (EP300 lysine acetyltransferase; plus strand). Cytogenetic location: 22q13.2.
Variant type: single nucleotide variant.
Coding change: c.2713C>T on transcript NM_001429.4 (MANE Select); coding-DNA position 2713, C replaced by T.
Protein change: p.Pro905Ser; replaces proline 905 with serine.
Molecular consequence: missense variant.
Genome position (GRCh38, 1-based): chr22:41,150,094, C>T. VCF-style: chr22-41150094-C-T. GRCh37 (hg19) VCF-style: chr22-41546098-C-T.
Other names: c.2635C>T, p.Pro879Ser (NM_001362843.2); short protein forms P879S, P905S.
Identifiers: ClinVar variation 4995114 (VCV004995114.1).
Genomic context (GRCh38, chr22:41,150,094, plus strand): 5'-ACACCTACACCACCAACAACACAACTTCCCCAACAAGTGCAGCCTTCACTTCCTGCTGCA[C>T]CTTCTGCTGACCAGCCCCAGCAGCAGCCTCGCTCACAGCAGAGCACAGCAGCGTCTGTTC-3'
Protein context (NP_001420.2, residues 895-915): QQVQPSLPAA[Pro905Ser]SADQPQQQPR